The following is an entry in ClinVar:

NM_005932.4(MIPEP):c.1311T>C (p.Phe437=)

Gene: MIPEP (mitochondrial intermediate peptidase; minus strand). Cytogenetic location: 13q12.12.
Variant type: single nucleotide variant.
Coding change: c.1311T>C on transcript NM_005932.4 (MANE Select); coding-DNA position 1311, T replaced by C.
Protein change: p.Phe437=; no amino-acid change (phenylalanine 437 retained).
Molecular consequence: synonymous variant.
Genome position (GRCh38, 1-based): chr13:23,839,676, A>G on the plus strand (T>C on the coding strand, the complement: MIPEP is on the minus strand). VCF-style: chr13-23839676-A-G. GRCh37 (hg19) VCF-style: chr13-24413815-A-G.
Identifiers: ClinVar variation 723527 (VCV000723527.13), dbSNP rs150941105, ClinGen allele CA6913024.

ClinVar aggregate classification (germline): Benign/Likely benign. Review status: criteria provided, multiple submitters, no conflicts (2 of 4 stars). 3 submissions from 3 submitters: Benign (1); Likely benign (2). Last evaluated 2026-06-01.

Allele frequency attached by ClinVar (database versions not stated): 1000 Genomes Project 30x 0.00047; ESP Exome Variant Server 0.00054; gnomAD exomes 0.00076 and 0.00033; ExAC 0.00034; TOPMed 0.00037; 1000 Genomes Project 0.00040; gnomAD 0.00042 and 0.00043.
gnomAD v4.1: 1,156 of 1,613,448 alleles (0.072%); highest among the groups gnomAD compares: Non-Finnish European, 0.094%; 4 homozygotes.

Submissions (3):

CeGaT Center for Human Genetics Tuebingen
Classification: Likely benign. Last evaluated: 2026-06-01. Review status: criteria provided, single submitter. Criteria: CeGaT Center For Human Genetics Tuebingen Variant Classification Criteria Version 2. Collection method: clinical testing. Allele origin: germline. Affected: yes. Observed: 1 variant allele.
Comment: MIPEP: BP4, BP7

Labcorp Genetics (formerly Invitae), Labcorp
Classification: Benign. Last evaluated: 2025-08-03. Review status: criteria provided, single submitter. Criteria: Invitae Variant Classification Sherloc (09022015). Collection method: clinical testing. Allele origin: germline.

Blueprint Genetics
Classification: Likely benign. Last evaluated: 2024-11-15. Review status: criteria provided, single submitter. Criteria: ACMG Guidelines, 2015. Collection method: clinical testing. Allele origin: germline.